The following is an entry in ClinVar:

NM_018718.3(CEP41):c.642+5C>T

Gene: CEP41 (centrosomal protein 41; minus strand). Cytogenetic location: 7q32.2.
Variant type: single nucleotide variant.
Coding change: c.642+5C>T on transcript NM_018718.3 (MANE Select); 5 bases into the intron after coding-DNA position 642, C replaced by T.
Molecular consequence: intron variant.
Genome position (GRCh38, 1-based): chr7:130,401,876, G>A on the plus strand (C>T on the coding strand, the complement: CEP41 is on the minus strand). VCF-style: chr7-130401876-G-A. GRCh37 (hg19) VCF-style: chr7-130041717-G-A.
Other names: c.594+5C>T (NM_001257159.2); c.642+5C>T (NM_001257158.2).
Identifiers: ClinVar variation 1462876 (VCV001462876.6), dbSNP rs2117560304, ClinGen allele CA2573141652.

ClinVar aggregate classification (germline): Uncertain significance (1 of 4 stars; one submission).

Conditions:
Joubert syndrome 15 (JBTS15). Identifiers: Orphanet 475, MedGen C3280897, MONDO:0013763, OMIM 614464.

Submission:

Labcorp Genetics (formerly Invitae), Labcorp
Classification: Uncertain significance for Joubert syndrome 15. Last evaluated: 2020-12-16. Review status: criteria provided, single submitter. Criteria: Invitae Variant Classification Sherloc (09022015). Collection method: clinical testing. Allele origin: germline.
Comment: This variant has not been reported in the literature in individuals with CEP41-related conditions. In summary, the available evidence is currently insufficient to determine the role of this variant in disease. Therefore, it has been classified as a Variant of Uncertain Significance. Nucleotide substitutions within the consensus splice site are a relatively common cause of aberrant splicing (PMID: 17576681, 9536098). Algorithms developed to predict the effect of sequence changes on RNA splicing suggest that this variant is not likely to affect RNA splicing, but this prediction has not been confirmed by published transcriptional studies. This variant is not present in population databases (ExAC no frequency). This sequence change falls in intron 8 of the CEP41 gene. It does not directly change the encoded amino acid sequence of the CEP41 protein. It affects a nucleotide within the consensus splice site of the intron.

Literature cited by the submitters: PubMed 17576681; PubMed 9536098.